The following is an entry in ClinVar:

NM_152743.4(BRAT1):c.1016-2A>G

Gene: BRAT1 (BRCA1 associated ATM activator 1; minus strand). Cytogenetic location: 7p22.3.
Variant type: single nucleotide variant.
Coding change: c.1016-2A>G on transcript NM_152743.4 (MANE Select); the canonical splice acceptor site of the intron before coding-DNA position 1016, A replaced by G.
Molecular consequence: splice acceptor variant.
Genome position (GRCh38, 1-based): chr7:2,541,838, T>C on the plus strand (A>G on the coding strand, the complement: BRAT1 is on the minus strand). VCF-style: chr7-2541838-T-C. GRCh37 (hg19) VCF-style: chr7-2581472-T-C.
Other names: c.491-2A>G (NM_001350627.2); c.1016-2A>G (NM_001350626.2).
Identifiers: ClinVar variation 4294063 (VCV004294063.1).

ClinVar aggregate classification (germline): Likely pathogenic (1 of 4 stars; one submission).

Conditions:
BRAT1-related disorder. Also called: BRAT1-related condition; BRAT1-related disorders.

Submission:

3billion
Classification: Likely pathogenic for BRAT1-related disorder. Last evaluated: 2024-10-24. Review status: criteria provided, single submitter. Criteria: ACMG Guidelines, 2015. Collection method: clinical testing. Allele origin: germline. Affected: yes.
Comment: The variant is not observed in the gnomAD v4.1.0 dataset. Predicted Consequence/Location: Canonical splice site: predicted to alter splicing and result in a loss or disruption of normal protein function. Multiple pathogenic loss-of-function variants are reported downstream of the variant. In silico tools predict the variant to alter splicing and produce an abnormal transcript [SpliceAI: 1.00 (spliceogenicity >=0.2, non-spliceogenicity <0.1)]. Therefore, this variant is classified as Likely pathogenic according to the recommendation of ACMG/AMP guideline.